The following is an entry in ClinVar:

ClinVar aggregate classification (germline): Likely benign. Review status: criteria provided, multiple submitters, no conflicts (2 of 4 stars). 3 submissions from 3 submitters: Likely benign (2). 1 of the submissions does not count toward it. Last evaluated 2025-02-19.

Conditions:
CACNA1A-related disorder. Also called: CACNA1A-related condition.
Developmental and epileptic encephalopathy, 42 (DEE42A). Also called: Epileptic encephalopathy, early infantile, 42; DEVELOPMENTAL AND EPILEPTIC ENCEPHALOPATHY 42A; EPILEPTIC ENCEPHALOPATHY, EARLY INFANTILE, 42A. Identifiers: MedGen C4310716, MONDO:0014917, OMIM 617106.
Episodic ataxia type 2 (EA2). Also called: ATAXIA, EPISODIC, WITH NYSTAGMUS; ATAXIA, FAMILIAL PAROXYSMAL; CEREBELLAR ATAXIA, PAROXYSMAL, ACETAZOLAMIDE-RESPONSIVE; CEREBELLOPATHY, HEREDITARY PAROXYSMAL; EPISODIC ATAXIA, NYSTAGMUS-ASSOCIATED; ACETAZOLAMIDE-RESPONSIVE HEREDITARY PAROXYSMAL CEREBELLAR ATAXIA. Identifiers: Orphanet 97, MedGen C1720416, MONDO:0007163, OMIM 108500.

Allele frequency attached by ClinVar (database versions not stated): gnomAD 0.00001; TOPMed 0.00001.
gnomAD v4.1: 3 of 1,613,832 alleles (0.00019%); highest among the groups gnomAD compares: Non-Finnish European, 0.00017%; no homozygotes.

Submissions (3):

Labcorp Genetics (formerly Invitae), Labcorp
Classification: Likely benign for Developmental and epileptic encephalopathy, 42; Episodic ataxia type 2. Last evaluated: 2025-02-19. Review status: criteria provided, single submitter. Criteria: Invitae Variant Classification Sherloc (09022015). Collection method: clinical testing. Allele origin: germline.

CeGaT Center for Human Genetics Tuebingen
Classification: Likely benign. Last evaluated: 2023-02-01. Review status: criteria provided, single submitter. Criteria: CeGaT Center For Human Genetics Tuebingen Variant Classification Criteria Version 2. Collection method: clinical testing. Allele origin: germline. Affected: yes. Observed: 1 variant allele.
Comment: CACNA1A: BP4, BP7

PreventionGenetics, part of Exact Sciences
Classification: Likely benign for CACNA1A-related condition. Last evaluated: 2023-09-26. Review status: no assertion criteria provided. Collection method: clinical testing. Allele origin: germline. Not counted in ClinVar's aggregate classification.
Comment: This variant is classified as likely benign based on ACMG/AMP sequence variant interpretation guidelines (Richards et al. 2015 PMID: 25741868, with internal and published modifications).

NM_001127222.2(CACNA1A):c.1875C>T (p.Val625=)

Gene: CACNA1A (calcium voltage-gated channel subunit alpha1 A; minus strand). Cytogenetic location: 19p13.13.
Variant type: single nucleotide variant.
Coding change: c.1875C>T on transcript NM_001127222.2 (MANE Select); coding-DNA position 1875, C replaced by T.
Protein change: p.Val625=; no amino-acid change (valine 625 retained).
Molecular consequence: synonymous variant.
Genome position (GRCh38, 1-based): chr19:13,308,158, G>A on the plus strand (C>T on the coding strand, the complement: CACNA1A is on the minus strand). VCF-style: chr19-13308158-G-A. GRCh37 (hg19) VCF-style: chr19-13418972-G-A.
Other names: c.1878C>T, p.Val626= (NM_000068.4, NM_001127221.2, NM_001174080.2 and 1 more transcripts); c.1875C>T (NM_001127222.1).
Identifiers: ClinVar variation 1138154 (VCV001138154.33), dbSNP rs774629539, ClinGen allele CA505661178.
Genomic context (GRCh38, chr19:13,308,158, plus strand): 5'-GGAATTCCTGTGAAGGACTTACTGGCCGCCGAAGAGTTGCATTCCCAAAAGGGCGAAGAC[G>A]ACAATGAACAGGAAAAGGAGAAACAACAGGCTGATGATGGACTTCATGGAGTTGAGGAGA-3'
Protein context (NP_001120694.1, residues 615-635): SLLFLLFLFI[Val625=]VFALLGMQLF